The following is an entry in ClinVar:

NM_177987.3(TUBB8):c.1030T>A (p.Trp344Arg)

Gene: TUBB8 (tubulin beta 8 class VIII; minus strand). Cytogenetic location: 10p15.3.
Variant type: single nucleotide variant.
Coding change: c.1030T>A on transcript NM_177987.3 (MANE Select); coding-DNA position 1030, T replaced by A.
Protein change: p.Trp344Arg; replaces tryptophan 344 with arginine.
Molecular consequence: missense variant.
Genome position (GRCh38, 1-based): chr10:47,362, A>T on the plus strand (T>A on the coding strand, the complement: TUBB8 is on the minus strand). VCF-style: chr10-47362-A-T. GRCh37 (hg19) VCF-style: chr10-93302-A-T.
Other names: c.814T>A, p.Trp272Arg (NM_001389618.1, NM_001389619.1); short protein forms W272R, W344R.
Identifiers: ClinVar variation 4686582 (VCV004686582.1).

ClinVar aggregate classification (germline): Likely pathogenic (1 of 4 stars; one submission).

Conditions:
Oocyte maturation defect 2 (OZEMA2). Also called: OOCYTE/ZYGOTE/EMBRYO MATURATION ARREST 2. Identifiers: MedGen C4225210, MONDO:0021573, OMIM 616780.

Submission:

Division of Molecular Genetics, Fujita Health University
Classification: Likely pathogenic for Oocyte maturation defect 2. Last evaluated: 2026-01-19. Review status: criteria provided, single submitter. Criteria: ACMG Guidelines, 2015. Collection method: research. Allele origin: unknown. Inheritance: Autosomal dominant inheritance. Affected: yes. Observed: 1 heterozygote.
Comment: Classified as Likely Pathogenic for oocyte maturation defect 2 (OZEMA2; OMIM 616780). The variant NM_177987.3:c.1030T>A (NP_817124.1:p.Trp344Arg) is a missense change located in a functionally important region/hotspot of TUBB8 (PM1). The variant is rare in population databases (PM2). Missense variants are a common mechanism of disease in TUBB8, and the gene has a low rate of benign missense variation (PP2). Multiple in silico tools support a deleterious effect on the gene/protein (PP3). The proband’s phenotype (primary female infertility with oocyte maturation arrest and/or abnormal fertilization) is highly specific and consistent with TUBB8-related disease (PP4). Interpretation followed ACMG/AMP guidelines.

Literature cited by the submitters: DOI 10.1016/j.rbmo.2025.105372.